The following is an entry in ClinVar:

ClinVar aggregate classification (germline): Uncertain significance (1 of 4 stars; one submission).

Allele frequency attached by ClinVar (database versions not stated): gnomAD 0.00001; gnomAD exomes 0.00001 and 0.00004; TOPMed 0.00001; ExAC 0.00002; ESP Exome Variant Server 0.00008.
gnomAD v4.1: 20 of 1,612,808 alleles (0.0012%); highest among the groups gnomAD compares: Non-Finnish European, 0.00034%; no homozygotes.

Submission:

Labcorp Genetics (formerly Invitae), Labcorp
Classification: Uncertain significance. Last evaluated: 2020-12-02. Review status: criteria provided, single submitter. Criteria: Invitae Variant Classification Sherloc (09022015). Collection method: clinical testing. Allele origin: germline.
Comment: This variant is present in population databases (rs150538209, ExAC 0.003%). In summary, the available evidence is currently insufficient to determine the role of this variant in disease. Therefore, it has been classified as a Variant of Uncertain Significance. Advanced modeling of protein sequence and biophysical properties (such as structural, functional, and spatial information, amino acid conservation, physicochemical variation, residue mobility, and thermodynamic stability) performed at Invitae indicates that this missense variant is not expected to disrupt CRB2 protein function. This variant has not been reported in the literature in individuals with CRB2-related conditions. This sequence change replaces valine with aspartic acid at codon 806 of the CRB2 protein (p.Val806Asp). The valine residue is moderately conserved and there is a large physicochemical difference between valine and aspartic acid.

NM_173689.7(CRB2):c.2417T>A (p.Val806Asp)

Gene: CRB2 (crumbs cell polarity complex component 2; plus strand). Cytogenetic location: 9q33.3.
Variant type: single nucleotide variant.
Coding change: c.2417T>A on transcript NM_173689.7 (MANE Select); coding-DNA position 2417, T replaced by A.
Protein change: p.Val806Asp; replaces valine 806 with aspartic acid.
Molecular consequence: missense variant. On other transcripts: non-coding transcript variant (1).
Genome position (GRCh38, 1-based): chr9:123,371,559, T>A. VCF-style: chr9-123371559-T-A. GRCh37 (hg19) VCF-style: chr9-126133838-T-A.
Other names: short protein forms V806D.
Identifiers: ClinVar variation 1397521 (VCV001397521.8), dbSNP rs150538209, ClinGen allele CA5232195.